The following is an entry in ClinVar:

NM_000264.5(PTCH1):c.1355A>G (p.Tyr452Cys)

Gene: PTCH1 (patched 1; minus strand). Cytogenetic location: 9q22.32.
Variant type: single nucleotide variant.
Coding change: c.1355A>G on transcript NM_000264.5 (MANE Select); coding-DNA position 1355, A replaced by G.
Protein change: p.Tyr452Cys; replaces tyrosine 452 with cysteine.
Molecular consequence: missense variant. On other transcripts: non-coding transcript variant (1), intron variant (1).
Genome position (GRCh38, 1-based): chr9:95,477,695, T>C on the plus strand (A>G on the coding strand, the complement: PTCH1 is on the minus strand). VCF-style: chr9-95477695-T-C. GRCh37 (hg19) VCF-style: chr9-98239977-T-C.
Other names: c.1157A>G, p.Tyr386Cys (NM_001083602.3); c.1352A>G, p.Tyr451Cys (NM_001083603.3); c.902A>G, p.Tyr301Cys (NM_001083604.3, NM_001083605.3, NM_001083606.3 and 1 more transcripts); c.1347+360A>G (NM_001354918.2); short protein forms Y301C, Y386C, Y451C, Y452C.
Identifiers: ClinVar variation 850516 (VCV000850516.14), dbSNP rs1255345516, ClinGen allele CA374118671.

ClinVar aggregate classification (germline): Uncertain significance. Review status: criteria provided, multiple submitters, no conflicts (2 of 4 stars). 3 submissions from 3 submitters: Uncertain significance (3). Last evaluated 2026-04-22.

Conditions:
Hereditary cancer-predisposing syndrome. Also called: Tumor predisposition; Neoplastic Syndromes, Hereditary; Hereditary neoplastic syndrome; Hereditary Cancer Syndrome. Identifiers: Orphanet 140162, MedGen C0027672, MeSH D009386, MONDO:0015356.
Basal cell carcinoma, susceptibility to, 1. Also called: BCC1. Identifiers: MedGen C2751544, MONDO:0011556, OMIM 605462.
Gorlin syndrome. Also called: Nevoid Basal Cell Carcinoma Syndrome; Basal cell nevus syndrome. Identifiers: Orphanet 377, MedGen C0004779, MONDO:0007187.

Allele frequency attached by ClinVar (database versions not stated): gnomAD exomes below 0.00001.
gnomAD v4.1: 3 of 1,614,130 alleles (0.00019%); highest among the groups gnomAD compares: Non-Finnish European, 0.00017%; no homozygotes.

Submissions (3):

Ambry Genetics
Classification: Uncertain significance for Hereditary cancer-predisposing syndrome. Last evaluated: 2026-04-22. Review status: criteria provided, single submitter. Criteria: Ambry Variant Classification Scheme 2023. Collection method: clinical testing. Allele origin: germline.
Comment: The p.Y452C variant (also known as c.1355A>G), located in coding exon 10 of the PTCH1 gene, results from an A to G substitution at nucleotide position 1355. The tyrosine at codon 452 is replaced by cysteine, an amino acid with highly dissimilar properties. This amino acid position is conserved. In addition, this alteration is predicted to be deleterious by in silico analysis. Since supporting evidence is limited at this time, the clinical significance of this alteration remains unclear.

Labcorp Genetics (formerly Invitae), Labcorp
Classification: Uncertain significance for Gorlin syndrome. Last evaluated: 2024-10-28. Review status: criteria provided, single submitter. Criteria: Invitae Variant Classification Sherloc (09022015). Collection method: clinical testing. Allele origin: germline.
Comment: This sequence change replaces tyrosine, which is neutral and polar, with cysteine, which is neutral and slightly polar, at codon 452 of the PTCH1 protein (p.Tyr452Cys). This variant is present in population databases (no rsID available, gnomAD 0.004%). This variant has not been reported in the literature in individuals affected with PTCH1-related conditions. ClinVar contains an entry for this variant (Variation ID: 850516). Invitae Evidence Modeling of protein sequence and biophysical properties (such as structural, functional, and spatial information, amino acid conservation, physicochemical variation, residue mobility, and thermodynamic stability) has been performed for this missense variant. However, the output from this modeling did not meet the statistical confidence thresholds required to predict the impact of this variant on PTCH1 protein function. In summary, the available evidence is currently insufficient to determine the role of this variant in disease. Therefore, it has been classified as a Variant of Uncertain Significance.

Baylor Genetics
Classification: Uncertain significance for Basal cell carcinoma, susceptibility to, 1. Last evaluated: 2024-01-03. Review status: criteria provided, single submitter. Criteria: ACMG Guidelines, 2015. Collection method: clinical testing. Allele origin: unknown.